The following continues an entry in ClinVar:

NM_000179.3(MSH6):c.2633T>C (p.Val878Ala)

Gene: MSH6. ClinVar aggregate classification (germline): Benign. Benign (1).

Submissions 21 to 39 of 39:

Clinical Genetics DNA and cytogenetics Diagnostics Lab, Erasmus MC, Erasmus Medical Center
Classification: Benign for Lynch syndrome 5. Last evaluated: 2015-09-21. Review status: criteria provided, single submitter. Criteria: ACGS Guidelines, 2013. Collection method: clinical testing. Allele origin: germline. Affected: yes. Study: VKGL Data-share Consensus. Not counted in ClinVar's aggregate classification.

Color Diagnostics, LLC DBA Color Health
Classification: Benign for Hereditary cancer-predisposing syndrome. Last evaluated: 2015-01-02. Review status: criteria provided, single submitter. Criteria: ACMG Guidelines, 2015. Collection method: clinical testing. Allele origin: germline. Not counted in ClinVar's aggregate classification.

Ambry Genetics
Classification: Benign for Hereditary cancer-predisposing syndrome. Last evaluated: 2014-11-18. Review status: criteria provided, single submitter. Criteria: Ambry Variant Classification Scheme 2023. Collection method: clinical testing. Allele origin: germline. Not counted in ClinVar's aggregate classification.

GeneDx
Classification: Benign. Last evaluated: 2013-10-11. Review status: criteria provided, single submitter. Criteria: GeneDx Variant Classification (06012015). Collection method: clinical testing. Allele origin: germline. Affected: yes. Not counted in ClinVar's aggregate classification.
Comment: This variant is considered likely benign or benign based on one or more of the following criteria: it is a conservative change, it occurs at a poorly conserved position in the protein, it is predicted to be benign by multiple in silico algorithms, and/or has population frequency not consistent with disease.

Breakthrough Genomics
Classification: Benign. Review status: criteria provided, single submitter. Criteria: ACMG Guidelines, 2015. Collection method: not provided. Allele origin: germline. Inheritance: Autosomal recessive inheritance. Affected: yes. Not counted in ClinVar's aggregate classification.

PreventionGenetics, part of Exact Sciences
Classification: Benign. Review status: criteria provided, single submitter. Criteria: ACMG Guidelines, 2015. Collection method: clinical testing. Allele origin: germline. Not counted in ClinVar's aggregate classification.

True Health Diagnostics
Classification: Benign for Hereditary cancer-predisposing syndrome. Last evaluated: 2018-09-11. Review status: no assertion criteria provided. Collection method: clinical testing. Allele origin: germline. Not counted in ClinVar's aggregate classification.

CSER _CC_NCGL, University of Washington
Classification: Likely benign for Colorectal / endometrial cancer. Last evaluated: 2014-06-01. Review status: no assertion criteria provided. Collection method: research. Allele origin: germline. Inheritance: Autosomal dominant inheritance. Study: ESP 6500 variant annotation. Not counted in ClinVar's aggregate classification.
Comment: Variants classified for the Actionable exomic incidental findings in 6503 participants: challenges of variant classification manuscript

ITMI
No classification provided. Condition: AllHighlyPenetrant. Last evaluated: 2013-09-19. Review status: no classification provided. Collection method: reference population. Allele origin: germline. Not counted in ClinVar's aggregate classification.
Comment: Please see associated publication for description of ethnicities

Biesecker Lab/Clinical Genomics Section, National Institutes of Health
Classification: Benign. Last evaluated: 2012-07-13. Review status: no assertion criteria provided. Collection method: research. Allele origin: germline. Affected: no. Observed: 2 variant alleles. Study: ClinSeq. Not counted in ClinVar's aggregate classification.
ClinVar note: Converted during submission from no known pathogenicity to Benign.

OMIM
Classification: Uncertain significance for RECLASSIFIED - VARIANT OF UNKNOWN SIGNIFICANCE. Last evaluated: 2001-10-01. Review status: no assertion criteria provided. Collection method: literature only. Allele origin: germline. Not counted in ClinVar's aggregate classification.

Center of Medical Genetics and Primary Health Care
Classification: Benign for Breast Cancer. Review status: no assertion criteria provided. Collection method: clinical testing. Allele origin: germline. Affected: yes. Not counted in ClinVar's aggregate classification.

Clinical Genetics Laboratory, Department of Pathology, Netherlands Cancer Institute
Classification: Benign. Review status: no assertion criteria provided. Collection method: clinical testing. Allele origin: germline. Affected: yes. Study: VKGL Data-share Consensus. Not counted in ClinVar's aggregate classification.

Clinical Genetics, Academic Medical Center
Classification: Benign. Review status: no assertion criteria provided. Collection method: clinical testing. Allele origin: germline. Affected: yes. Study: VKGL Data-share Consensus. Not counted in ClinVar's aggregate classification.

Department of Pathology and Laboratory Medicine, Sinai Health System
Classification: Likely benign for Carcinoma of colon. Review status: no assertion criteria provided. Collection method: clinical testing. Allele origin: unknown. Affected: yes. Observed: 6 variant alleles. Study: The Canadian Open Genetics Repository (COGR). Not counted in ClinVar's aggregate classification.
Comment: The Val878Ala variant has been previously identified in the literature and by our laboratory. More than 39 probands have been cited in the literature including individuals with endometrial cancer, MSI, microsatellite Mutator phenotype (MMP), and individual meeting Amsterdam Criteria for Lynch syndrome (Charames 2000, Barnetson 2008, Jennifer 2008, Wasielewski 2010, Plaschke 2006, Korhonen 2008, Hampel 2006, Ohmiya 2001, Ohmiya 2001, Berends 2002, Peterlongo 2003, Lipkin 2004, Dovrat 2005). However, there was conflicting information as to the relationship of this variant with disease status. This variant was identified in combination with another variant on the other allele in two different individual, one of whom had a nonsense variant (Plaschke 2006, Ohmiya 2001) raising the possibility that this is a benign variant. Furthermore, over 51 control individuals have been identified with this variant in the literature. In one large case control study, 25/2384 cases had this variant and 46/2630 race matched controls (From Northern Israel and Haifa) were carriers of this variant (Lipkin 2004). The variant has also been observed in other populations at lower frequency (dbSNP:rs2020912). This variant is conserved in mammals and other vertebrates but not in fruitfly. In-silico analysis (Sift, AlignGVGD, MAPP) provide conflicting data, and this information is not very predictive of pathogenicity. In summary, based on the above information, the clinical significance of this variant cannot be determined with absolute certainty but we would lean towards a more likely benign role for this variant.

Diagnostic Laboratory, Department of Genetics, University Medical Center Groningen
Classification: Benign for Lynch syndrome 5. Review status: no assertion criteria provided. Collection method: clinical testing. Allele origin: germline. Affected: yes. Study: VKGL Data-share Consensus. Not counted in ClinVar's aggregate classification.

Joint Genome Diagnostic Labs from Nijmegen and Maastricht, Radboudumc and MUMC+
Classification: Benign. Review status: no assertion criteria provided. Collection method: clinical testing. Allele origin: germline. Affected: yes. Study: VKGL Data-share Consensus. Not counted in ClinVar's aggregate classification.

Laboratory of Diagnostic Genome Analysis, Leiden University Medical Center (LUMC)
Classification: Benign. Review status: no assertion criteria provided. Collection method: clinical testing. Allele origin: germline. Affected: yes. Study: VKGL Data-share Consensus. Not counted in ClinVar's aggregate classification.

Mayo Clinic Laboratories, Mayo Clinic
Classification: Benign. Review status: no assertion criteria provided. Collection method: clinical testing. Allele origin: unknown. Not counted in ClinVar's aggregate classification.

Literature cited by the submitters: PubMed 19924528 (cited by Women's Health and Genetics/Laboratory Corporation of America, LabCorp); PubMed 22949387 (cited by Women's Health and Genetics/Laboratory Corporation of America, LabCorp); PubMed 16940983 (cited by Women's Health and Genetics/Laboratory Corporation of America, LabCorp); PubMed 18790734 (cited by Women's Health and Genetics/Laboratory Corporation of America, LabCorp); PubMed 18415027 (cited by Women's Health and Genetics/Laboratory Corporation of America, LabCorp); PubMed 16885385 (cited by Women's Health and Genetics/Laboratory Corporation of America, LabCorp); PubMed 11709755 (cited by Women's Health and Genetics/Laboratory Corporation of America, LabCorp); PubMed 18033691 (cited by Women's Health and Genetics/Laboratory Corporation of America, LabCorp); PubMed 11153917 (cited by Women's Health and Genetics/Laboratory Corporation of America, LabCorp); PubMed 22290698 (cited by Women's Health and Genetics/Laboratory Corporation of America, LabCorp); PubMed 18301448 (cited by Women's Health and Genetics/Laboratory Corporation of America, LabCorp); PubMed 22102614 (cited by Women's Health and Genetics/Laboratory Corporation of America, LabCorp); PubMed 16418736 (cited by Women's Health and Genetics/Laboratory Corporation of America, LabCorp); PubMed 17417778 (cited by Women's Health and Genetics/Laboratory Corporation of America, LabCorp); PubMed 16203774 (cited by Women's Health and Genetics/Laboratory Corporation of America, LabCorp); PubMed 16341805 (cited by Women's Health and Genetics/Laboratory Corporation of America, LabCorp); PubMed 12537658 (cited by Women's Health and Genetics/Laboratory Corporation of America, LabCorp); PubMed 18566915 (cited by Women's Health and Genetics/Laboratory Corporation of America, LabCorp); PubMed 14520694 (cited by Women's Health and Genetics/Laboratory Corporation of America, LabCorp); PubMed 10508506 (cited by Women's Health and Genetics/Laboratory Corporation of America, LabCorp); PubMed 15184898 (cited by Women's Health and Genetics/Laboratory Corporation of America, LabCorp); PubMed 11586295 (cited by Women's Health and Genetics/Laboratory Corporation of America, LabCorp and OMIM); PubMed 15483016 (cited by Women's Health and Genetics/Laboratory Corporation of America, LabCorp); PubMed 22581703 (cited by Women's Health and Genetics/Laboratory Corporation of America, LabCorp); PubMed 16270383 (cited by Women's Health and Genetics/Laboratory Corporation of America, LabCorp); PubMed 24728327 (cited by ITMI); Hamosh, A. Personal Communication. 2016. Baltimore, Md. (cited by OMIM).